The following is an entry in ClinVar:

NM_001005361.3(DNM2):c.1726G>A (p.Glu576Lys)

Gene: DNM2 (dynamin 2; plus strand). Cytogenetic location: 19p13.2.
Variant type: single nucleotide variant.
Coding change: c.1726G>A on transcript NM_001005361.3 (MANE Select); coding-DNA position 1726, G replaced by A.
Protein change: p.Glu576Lys; replaces glutamic acid 576 with lysine.
Molecular consequence: missense variant.
Genome position (GRCh38, 1-based): chr19:10,820,034, G>A. VCF-style: chr19-10820034-G-A. GRCh37 (hg19) VCF-style: chr19-10930710-G-A.
Other names: c.1726G>A, p.Glu576Lys (NM_001005360.3, NM_001190716.2); c.1714G>A, p.Glu572Lys (NM_001005362.3, NM_004945.4); short protein forms E572K, E576K.
Identifiers: ClinVar variation 2710705 (VCV002710705.3), dbSNP rs1599620467, ClinGen allele CA404040417.

ClinVar aggregate classification (germline): Uncertain significance (1 of 4 stars; one submission).

Conditions:
Charcot-Marie-Tooth disease dominant intermediate B (CMTDIB). Also called: CHARCOT-MARIE-TOOTH NEUROPATHY, DOMINANT INTERMEDIATE B; Charcot-Marie-Tooth disease dominant intermediate 1; CMT DI1; Charcot-Marie-Tooth disease dominant intermediate I. Identifiers: Orphanet 100044, Orphanet 228179, MedGen C1847902, MONDO:0011674, OMIM 606482.

Submission:

Labcorp Genetics (formerly Invitae), Labcorp
Classification: Uncertain significance for Charcot-Marie-Tooth disease dominant intermediate B. Last evaluated: 2024-01-21. Review status: criteria provided, single submitter. Criteria: Invitae Variant Classification Sherloc (09022015). Collection method: clinical testing. Allele origin: germline.
Comment: This sequence change replaces glutamic acid, which is acidic and polar, with lysine, which is basic and polar, at codon 576 of the DNM2 protein (p.Glu576Lys). This variant is not present in population databases (gnomAD no frequency). This variant has not been reported in the literature in individuals affected with DNM2-related conditions. Advanced modeling of protein sequence and biophysical properties (such as structural, functional, and spatial information, amino acid conservation, physicochemical variation, residue mobility, and thermodynamic stability) has been performed at Invitae for this missense variant, however the output from this modeling did not meet the statistical confidence thresholds required to predict the impact of this variant on DNM2 protein function. In summary, the available evidence is currently insufficient to determine the role of this variant in disease. Therefore, it has been classified as a Variant of Uncertain Significance.